The following is an entry in ClinVar:

NM_016203.4(PRKAG2):c.592C>T (p.Pro198Ser)

Gene: PRKAG2 (protein kinase AMP-activated non-catalytic subunit gamma 2; minus strand). Cytogenetic location: 7q36.1.
Variant type: single nucleotide variant.
Coding change: c.592C>T on transcript NM_016203.4 (MANE Select); coding-DNA position 592, C replaced by T.
Protein change: p.Pro198Ser; replaces proline 198 with serine.
Molecular consequence: missense variant.
Genome position (GRCh38, 1-based): chr7:151,675,512, G>A on the plus strand (C>T on the coding strand, the complement: PRKAG2 is on the minus strand). VCF-style: chr7-151675512-G-A. GRCh37 (hg19) VCF-style: chr7-151372598-G-A.
Other names: c.460C>T, p.Pro154Ser (NM_001040633.2); c.220C>T, p.Pro74Ser (NM_001304527.2, NM_001363698.2); short protein forms P154S, P74S, P198S.
Identifiers: ClinVar variation 664111 (VCV000664111.10), dbSNP rs753859556, ClinGen allele CA057621.

ClinVar aggregate classification (germline): Conflicting classifications of pathogenicity. Review status: criteria provided, conflicting classifications (1 of 4 stars). 2 submissions from 2 submitters: Uncertain significance (1); Likely benign (1). Last evaluated 2023-12-13.

Conditions:
Lethal congenital glycogen storage disease of heart. Also called: PHOSPHORYLASE KINASE DEFICIENCY OF HEART; GLYCOGEN STORAGE DISEASE OF HEART. Identifiers: Orphanet 439854, MedGen C1849813, MONDO:0009867, OMIM 261740.
Cardiovascular phenotype. Identifiers: MedGen CN230736.

Allele frequency attached by ClinVar (database versions not stated): gnomAD exomes below 0.00001; ExAC 0.00001; gnomAD 0.00001; TOPMed 0.00001.
gnomAD v4.1: 2 of 1,614,074 alleles (0.00012%); highest among the groups gnomAD compares: African/African-American, 0.0013%; no homozygotes.

Submissions (2):

Labcorp Genetics (formerly Invitae), Labcorp
Classification: Likely benign for Lethal congenital glycogen storage disease of heart. Last evaluated: 2023-12-13. Review status: criteria provided, single submitter. Criteria: Invitae Variant Classification Sherloc (09022015). Collection method: clinical testing. Allele origin: germline.

Ambry Genetics
Classification: Uncertain significance for Cardiovascular phenotype. Last evaluated: 2022-11-27. Review status: criteria provided, single submitter. Criteria: Ambry Variant Classification Scheme 2023. Collection method: clinical testing. Allele origin: germline.
Comment: The p.P198S variant (also known as c.592C>T), located in coding exon 4 of the PRKAG2 gene, results from a C to T substitution at nucleotide position 592. The proline at codon 198 is replaced by serine, an amino acid with similar properties. This amino acid position is conserved. In addition, the in silico prediction for this alteration is inconclusive. Since supporting evidence is limited at this time, the clinical significance of this alteration remains unclear.